The following is an entry in ClinVar:

ClinVar aggregate classification (germline): Uncertain significance (1 of 4 stars; one submission).

Submission:

Labcorp Genetics (formerly Invitae), Labcorp
Classification: Uncertain significance. Last evaluated: 2024-03-28. Review status: criteria provided, single submitter. Criteria: Invitae Variant Classification Sherloc (09022015). Collection method: clinical testing. Allele origin: germline.
Comment: This sequence change replaces threonine, which is neutral and polar, with serine, which is neutral and polar, at codon 192 of the CTR9 protein (p.Thr192Ser). This variant is not present in population databases (gnomAD no frequency). This variant has not been reported in the literature in individuals affected with CTR9-related conditions. An algorithm developed to predict the effect of missense changes on protein structure and function (PolyPhen-2) suggests that this variant is likely to be disruptive. In summary, the available evidence is currently insufficient to determine the role of this variant in disease. Therefore, it has been classified as a Variant of Uncertain Significance.

NM_014633.5(CTR9):c.575C>G (p.Thr192Ser)

Gene: CTR9 (CTR9 component of Paf1/RNA polymerase II complex; plus strand). Cytogenetic location: 11p15.4.
Variant type: single nucleotide variant.
Coding change: c.575C>G on transcript NM_014633.5 (MANE Select); coding-DNA position 575, C replaced by G.
Protein change: p.Thr192Ser; replaces threonine 192 with serine.
Molecular consequence: missense variant.
Genome position (GRCh38, 1-based): chr11:10,756,821, C>G. VCF-style: chr11-10756821-C-G. GRCh37 (hg19) VCF-style: chr11-10778368-C-G.
Other names: c.575C>G, p.Thr192Ser (NM_001346279.2); short protein forms T192S.
Identifiers: ClinVar variation 3648015 (VCV003648015.2).